The following is an entry in ClinVar:

NM_004519.4(KCNQ3):c.-138T>G

Gene: KCNQ3 (potassium voltage-gated channel subfamily Q member 3; minus strand). Cytogenetic location: 8q24.22.
Variant type: single nucleotide variant.
Coding change: c.-138T>G on transcript NM_004519.4 (MANE Select); 138 bases upstream of the start codon, T replaced by G.
Molecular consequence: 5 prime UTR variant.
Genome position (GRCh38, 1-based): chr8:132,480,670, A>C on the plus strand (T>G on the coding strand, the complement: KCNQ3 is on the minus strand). VCF-style: chr8-132480670-A-C. GRCh37 (hg19) VCF-style: chr8-133492917-A-C.
Identifiers: ClinVar variation 361895 (VCV000361895.7), dbSNP rs868425061, ClinGen allele CA10630270.

ClinVar aggregate classification (germline): Conflicting classifications of pathogenicity. Review status: criteria provided, conflicting classifications (1 of 4 stars). 2 submissions from 2 submitters: Uncertain significance (1); Likely benign (1). Last evaluated 2018-06-18.

Conditions:
Seizures, benign familial neonatal, 2. Also called: CONVULSIONS, BENIGN FAMILIAL NEONATAL, 2; KCNQ3-Related Self-Limited Familial Neonatal Epilepsy (SLFNE); Benign Neonatal Epilepsy 2; KCNQ3-Related Benign Familial Neonatal Epilepsy; Seizures, benign neonatal, 2. Identifiers: Orphanet 1949, MedGen C1852581, MONDO:0007366, OMIM 121201.

Allele frequency attached by ClinVar (database versions not stated): gnomAD exomes 0.00083; gnomAD 0.02363.
gnomAD v4.1: 6,028 of 726,858 alleles (0.83%); highest among the groups gnomAD compares: Admixed American, 4.3%; 9 homozygotes.

Submissions (2):

GeneDx
Classification: Likely benign. Last evaluated: 2018-06-18. Review status: criteria provided, single submitter. Criteria: GeneDx Variant Classification (06012015). Collection method: clinical testing. Allele origin: germline. Affected: yes.
Comment: This variant is considered likely benign or benign based on one or more of the following criteria: it is a conservative change, it occurs at a poorly conserved position in the protein, it is predicted to be benign by multiple in silico algorithms, and/or has population frequency not consistent with disease.

Illumina Laboratory Services, Illumina
Classification: Uncertain significance for Seizures, benign familial neonatal, 2. Last evaluated: 2018-01-13. Review status: criteria provided, single submitter. Criteria: ICSL Variant Classification Criteria 13 December 2019. Collection method: clinical testing. Allele origin: germline.